The following is an entry in ClinVar:

NM_006929.5(SKIC2):c.3416G>C (p.Arg1139Pro)

Gene: SKIC2 (SKI2 subunit of superkiller complex; plus strand). Cytogenetic location: 6p21.33.
Variant type: single nucleotide variant.
Coding change: c.3416G>C on transcript NM_006929.5 (MANE Select); coding-DNA position 3416, G replaced by C.
Protein change: p.Arg1139Pro; replaces arginine 1139 with proline.
Molecular consequence: missense variant.
Genome position (GRCh38, 1-based): chr6:31,969,296, G>C. VCF-style: chr6-31969296-G-C. GRCh37 (hg19) VCF-style: chr6-31937073-G-C.
Other names: short protein forms R1139P.
Identifiers: ClinVar variation 2136373 (VCV002136373.4), dbSNP rs1373847630, ClinGen allele CA363489525.

ClinVar aggregate classification (germline): Uncertain significance (1 of 4 stars; one submission).

gnomAD v4.1: 1 of 1,614,192 alleles (0.000062%); highest among the groups gnomAD compares: African/African-American, 0.0013%; no homozygotes.

Submission:

Labcorp Genetics (formerly Invitae), Labcorp
Classification: Uncertain significance. Last evaluated: 2022-07-03. Review status: criteria provided, single submitter. Criteria: Invitae Variant Classification Sherloc (09022015). Collection method: clinical testing. Allele origin: germline.
Comment: This sequence change replaces arginine, which is basic and polar, with proline, which is neutral and non-polar, at codon 1139 of the SKIV2L protein (p.Arg1139Pro). In summary, the available evidence is currently insufficient to determine the role of this variant in disease. Therefore, it has been classified as a Variant of Uncertain Significance. Algorithms developed to predict the effect of missense changes on protein structure and function are either unavailable or do not agree on the potential impact of this missense change (SIFT: "Tolerated"; PolyPhen-2: "Possibly Damaging"; Align-GVGD: "Class C0"). This missense change has been observed in individual(s) with primary immunodeficiency disease (PMID: 27577878). This variant is not present in population databases (gnomAD no frequency).

Literature cited by the submitters: PubMed 27577878.